The following is an entry in ClinVar:

NM_001378454.1(ALMS1):c.2683_2685del (p.Asp895del)

Gene: ALMS1 (ALMS1 centrosome and basal body associated protein; plus strand). Cytogenetic location: 2p13.1.
Variant type: Deletion.
Coding change: c.2683_2685del on transcript NM_001378454.1 (MANE Select); coding-DNA positions 2683 to 2685, 3 bases deleted (GAT; older notation c.2683_2685delGAT).
Protein change: p.Asp895del; deletes aspartic acid 895.
Molecular consequence: inframe deletion.
Genome position (GRCh38, 1-based): chr2:73,449,210-73,449,212, GAT deleted; deleting any 3 consecutive bases within chr2:73,449,209-73,449,212 gives the same sequence; the c. name uses the placement nearest the transcript's 3' end. VCF-style (leftmost placement, unchanged base first): chr2-73449208-GTGA-G. GRCh37 (hg19) VCF-style: chr2-73676335-GTGA-G.
Other names: c.2686_2688delGAT (NM_015120.4); c.2686_2688del, p.Asp896del (NM_015120.4); short protein forms D896del, D895del.
Identifiers: ClinVar variation 445673 (VCV000445673.11), dbSNP rs763288832, ClinGen allele CA1713398.

ClinVar aggregate classification (germline): Uncertain significance. Review status: criteria provided, multiple submitters, no conflicts (2 of 4 stars). 6 submissions from 6 submitters: Uncertain significance (5). 1 of the submissions does not count toward it. Last evaluated 2025-07-16.

Conditions:
Cardiovascular phenotype. Identifiers: MedGen CN230736.
Alstrom syndrome (ALMS). Identifiers: Orphanet 64, MedGen C0268425, MONDO:0008763, OMIM 203800.

Submissions (6):

Ambry Genetics
Classification: Uncertain significance for Cardiovascular phenotype. Last evaluated: 2025-07-16. Review status: criteria provided, single submitter. Criteria: Ambry Variant Classification Scheme 2023. Collection method: clinical testing. Allele origin: germline.
Comment: The c.2686_2688delGAT variant (also known as p.D896del) is located in coding exon 8 of the ALMS1 gene. This variant results from an in-frame GAT deletion at nucleotide positions 2686 to 2688. This results in the in-frame deletion of an aspartic acid at codon 896. This amino acid position is poorly conserved in available vertebrate species. In addition, the in silico prediction for this variant is inconclusive (Choi Y et al. PLoS ONE. 2012; 7(10):e46688). Based on the available evidence, the clinical significance of this variant remains unclear.

GeneDx
Classification: Uncertain significance. Last evaluated: 2024-03-18. Review status: criteria provided, single submitter. Criteria: GeneDx Variant Classification Process June 2021. Collection method: clinical testing. Allele origin: germline. Affected: yes.
Comment: Has not been previously published as pathogenic or benign to our knowledge; Not observed at significant frequency in large population cohorts (gnomAD); In-frame deletion of 1 amino acid in a non-repeat region; In silico analysis supports a deleterious effect on protein structure/function

Labcorp Genetics (formerly Invitae), Labcorp
Classification: Uncertain significance for Alstrom syndrome. Last evaluated: 2022-01-26. Review status: criteria provided, single submitter. Criteria: Invitae Variant Classification Sherloc (09022015). Collection method: clinical testing. Allele origin: germline.
Comment: This variant, c.2686_2688del, results in the deletion of 1 amino acid(s) of the ALMS1 protein (p.Asp896del), but otherwise preserves the integrity of the reading frame. This variant is present in population databases (rs763288832, gnomAD 0.008%). This variant has not been reported in the literature in individuals affected with ALMS1-related conditions. ClinVar contains an entry for this variant (Variation ID: 445673). Experimental studies and prediction algorithms are not available or were not evaluated, and the functional significance of this variant is currently unknown. In summary, the available evidence is currently insufficient to determine the role of this variant in disease. Therefore, it has been classified as a Variant of Uncertain Significance.

Blueprint Genetics
Classification: Uncertain significance. Last evaluated: 2021-12-14. Review status: criteria provided, single submitter. Criteria: ACMG Guidelines, 2015. Collection method: clinical testing. Allele origin: germline.

Center for Pediatric Genomic Medicine, Children's Mercy Hospital and Clinics
Classification: Uncertain significance. Last evaluated: 2017-07-06. Review status: criteria provided, single submitter. Criteria: ACMG Guidelines, 2015. Collection method: clinical testing. Allele origin: germline.

Natera, Inc.
Classification: Uncertain significance for Alstrom syndrome. Last evaluated: 2021-06-29. Review status: no assertion criteria provided. Collection method: clinical testing. Allele origin: germline. Not counted in ClinVar's aggregate classification.